The following is an entry in ClinVar:

NM_001626.6(AKT2):c.1103G>A (p.Arg368His)

Gene: AKT2 (AKT serine/threonine kinase 2; minus strand). Cytogenetic location: 19q13.2.
Variant type: single nucleotide variant.
Coding change: c.1103G>A on transcript NM_001626.6 (MANE Select); coding-DNA position 1103, G replaced by A.
Protein change: p.Arg368His; replaces arginine 368 with histidine.
Molecular consequence: missense variant.
Genome position (GRCh38, 1-based): chr19:40,235,962, C>T on the plus strand (G>A on the coding strand, the complement: AKT2 is on the minus strand). VCF-style: chr19-40235962-C-T. GRCh37 (hg19) VCF-style: chr19-40741869-C-T.
Other names: c.917G>A, p.Arg306His (NM_001243027.3, NM_001243028.3); c.974G>A, p.Arg325His (NM_001330511.1); short protein forms R306H, R325H, R368H.
Identifiers: ClinVar variation 3752850 (VCV003752850.2).

ClinVar aggregate classification (germline): Uncertain significance (1 of 4 stars; one submission).

Conditions:
Hypoinsulinemic hypoglycemia and body hemihypertrophy. Also called: Hypoinsulinemic hypoglycemia and hemihypertrophy. Identifiers: Orphanet 293964, MedGen C3278384, MONDO:0009416, OMIM 240900.
Type 2 diabetes mellitus. Also called: Type II diabetes mellitus. Identifiers: MedGen C0011860, MeSH D003924, MONDO:0005148, OMIM 125853, HP:0005978.

gnomAD v4.1: 3 of 1,613,980 alleles (0.00019%); highest among the groups gnomAD compares: South Asian, 0.0022%; no homozygotes.

Submission:

Labcorp Genetics (formerly Invitae), Labcorp
Classification: Uncertain significance for Hypoinsulinemic hypoglycemia and body hemihypertrophy; Type 2 diabetes mellitus. Last evaluated: 2025-01-01. Review status: criteria provided, single submitter. Criteria: Invitae Variant Classification Sherloc (09022015). Collection method: clinical testing. Allele origin: germline.
Comment: This sequence change replaces arginine, which is basic and polar, with histidine, which is basic and polar, at codon 368 of the AKT2 protein (p.Arg368His). This variant is present in population databases (rs768703735, gnomAD 0.006%). This variant has not been reported in the literature in individuals affected with AKT2-related conditions. An algorithm developed to predict the effect of missense changes on protein structure and function (PolyPhen-2) suggests that this variant is likely to be disruptive. In summary, the available evidence is currently insufficient to determine the role of this variant in disease. Therefore, it has been classified as a Variant of Uncertain Significance.